The following is an entry in ClinVar:

ClinVar aggregate classification (germline): Uncertain significance. Review status: criteria provided, multiple submitters, no conflicts (2 of 4 stars). 2 submissions from 2 submitters: Uncertain significance (2). Last evaluated 2025-06-16.

Conditions:
Hereditary spastic paraplegia 48. Also called: Spastic paraplegia 48; SPASTIC PARAPLEGIA 48, AUTOSOMAL RECESSIVE. Identifiers: Orphanet 306511, MedGen C3150901, MONDO:0013342, OMIM 613647.

Submissions (2):

Labcorp Genetics (formerly Invitae), Labcorp
Classification: Uncertain significance for Hereditary spastic paraplegia 48. Last evaluated: 2025-06-16. Review status: criteria provided, single submitter. Criteria: Invitae Variant Classification Sherloc (09022015). Collection method: clinical testing. Allele origin: germline.
Comment: This variant, c.2368_2373del, results in the deletion of 2 amino acid(s) of the AP5Z1 protein (p.Ala790_Leu791del), but otherwise preserves the integrity of the reading frame. This variant is present in population databases (rs754694053, gnomAD 0.04%). This variant has not been reported in the literature in individuals affected with AP5Z1-related conditions. ClinVar contains an entry for this variant (Variation ID: 2144205). Experimental studies and prediction algorithms are not available or were not evaluated, and the functional significance of this variant is currently unknown. In summary, the available evidence is currently insufficient to determine the role of this variant in disease. Therefore, it has been classified as a Variant of Uncertain Significance.

Genomic Medicine Center of Excellence, King Faisal Specialist Hospital and Research Centre
Classification: Uncertain significance for Hereditary spastic paraplegia 48. Last evaluated: 2024-04-04. Review status: criteria provided, single submitter. Criteria: ACMG Guidelines, 2015. Collection method: clinical testing. Allele origin: germline.

NM_014855.3(AP5Z1):c.2368_2373del (p.Ala790_Leu791del)

Gene: AP5Z1 (adaptor related protein complex 5 subunit zeta 1; plus strand). Cytogenetic location: 7p22.1.
Variant type: Deletion.
Coding change: c.2368_2373del on transcript NM_014855.3 (MANE Select); coding-DNA positions 2368 to 2373, 6 bases deleted (GCCCTG; older notation c.2368_2373delGCCCTG).
Protein change: p.Ala790_Leu791del.
Molecular consequence: inframe deletion. On other transcripts: non-coding transcript variant (1).
Genome position (GRCh38, 1-based): chr7:4,791,329-4,791,334, GCCCTG deleted; deleting any 6 consecutive bases within chr7:4,791,324-4,791,334 gives the same sequence; the c. name uses the placement nearest the transcript's 3' end. VCF-style (leftmost placement, unchanged base first): chr7-4791323-CCCCTGG-C. GRCh37 (hg19) VCF-style: chr7-4830954-CCCCTGG-C.
Other names: c.1900_1905del, p.Ala634_Leu635del (NM_001364858.1).
Identifiers: ClinVar variation 2144205 (VCV002144205.4), dbSNP rs754694053, ClinGen allele CA4138453.